The following is an entry in ClinVar:

ClinVar aggregate classification (germline): Uncertain significance (1 of 4 stars; one submission).

Conditions:
Immunodeficiency 35 (IMD35). Also called: TYK2 DEFICIENCY; HIES WITH ATYPICAL MYCOBACTERIOSIS, AUTOSOMAL RECESSIVE; HYPER-IgE SYNDROME WITH ATYPICAL MYCOBACTERIOSIS, AUTOSOMAL RECESSIVE; Susceptibility to infection due to TYK2 deficiency. Identifiers: Orphanet 331226, MedGen C1969086, MONDO:0012682, OMIM 611521.

Submission:

Labcorp Genetics (formerly Invitae), Labcorp
Classification: Uncertain significance for Immunodeficiency 35. Last evaluated: 2022-06-20. Review status: criteria provided, single submitter. Criteria: Invitae Variant Classification Sherloc (09022015). Collection method: clinical testing. Allele origin: germline.
Comment: This sequence change replaces proline, which is neutral and non-polar, with serine, which is neutral and polar, at codon 247 of the TYK2 protein (p.Pro247Ser). In summary, the available evidence is currently insufficient to determine the role of this variant in disease. Therefore, it has been classified as a Variant of Uncertain Significance. Algorithms developed to predict the effect of missense changes on protein structure and function are either unavailable or do not agree on the potential impact of this missense change (SIFT: "Not Available"; PolyPhen-2: "Benign"; Align-GVGD: "Not Available"). This variant has not been reported in the literature in individuals affected with TYK2-related conditions. This variant is not present in population databases (gnomAD no frequency).

NM_003331.5(TYK2):c.739C>T (p.Pro247Ser)

Gene: TYK2 (tyrosine kinase 2; minus strand). Cytogenetic location: 19p13.2.
Variant type: single nucleotide variant.
Coding change: c.739C>T on transcript NM_003331.5 (MANE Select); coding-DNA position 739, C replaced by T.
Protein change: p.Pro247Ser; replaces proline 247 with serine.
Molecular consequence: missense variant.
Genome position (GRCh38, 1-based): chr19:10,365,789, G>A on the plus strand (C>T on the coding strand, the complement: TYK2 is on the minus strand). VCF-style: chr19-10365789-G-A. GRCh37 (hg19) VCF-style: chr19-10476465-G-A.
Other names: c.739C>T, p.Pro247Ser (NM_001385197.1, NM_001385198.1, NM_001385199.1 and 7 more transcripts); c.649C>T, p.Pro217Ser (NM_001385205.1); short protein forms P217S, P247S.
Identifiers: ClinVar variation 1403660 (VCV001403660.8), dbSNP rs2145252429, ClinGen allele CA404017215.